The following is an entry in ClinVar:

NM_000179.3(MSH6):c.2950A>G (p.Asn984Asp)

Gene: MSH6 (mutS homolog 6; plus strand). Cytogenetic location: 2p16.3.
Variant type: single nucleotide variant.
Coding change: c.2950A>G on transcript NM_000179.3 (MANE Select); coding-DNA position 2950, A replaced by G.
Protein change: p.Asn984Asp; replaces asparagine 984 with aspartic acid.
Molecular consequence: missense variant.
Genome position (GRCh38, 1-based): chr2:47,800,933, A>G. VCF-style: chr2-47800933-A-G. GRCh37 (hg19) VCF-style: chr2-48028072-A-G.
Other names: c.2560A>G, p.Asn854Asp (NM_001281492.2); c.2044A>G, p.Asn682Asp (NM_001281493.2, NM_001281494.2); short protein forms N984D, N682D, N854D.
Identifiers: ClinVar variation 418917 (VCV000418917.27), dbSNP rs146359682, ClinGen allele CA16617685.

ClinVar aggregate classification (germline): Uncertain significance. Review status: criteria provided, multiple submitters, no conflicts (2 of 4 stars). 7 submissions from 7 submitters: Uncertain significance (7). Last evaluated 2025-11-11.

Conditions:
Hereditary cancer-predisposing syndrome. Also called: Hereditary neoplastic syndrome; Tumor predisposition; Neoplastic Syndromes, Hereditary; Hereditary Cancer Syndrome. Identifiers: Orphanet 140162, MedGen C0027672, MeSH D009386, MONDO:0015356.
Lynch syndrome. Identifiers: Orphanet 144, MedGen C4552100, MONDO:0005835. Disease mechanism: loss of function.
Hereditary nonpolyposis colorectal neoplasms. Identifiers: MedGen C0009405, MeSH D003123.
Endometrial carcinoma. Also called: Endometrial carcinoma, somatic. Identifiers: MedGen C0476089, MONDO:0002447, OMIM 608089, HP:0012114.

Allele frequency attached by ClinVar (database versions not stated): TOPMed 0.00002.
gnomAD v4.1: 38 of 1,577,920 alleles (0.0024%); highest among the groups gnomAD compares: Middle Eastern, 0.017%; no homozygotes.

Submissions (7):

Color Diagnostics, LLC DBA Color Health
Classification: Uncertain significance for Hereditary cancer-predisposing syndrome. Last evaluated: 2025-11-11. Review status: criteria provided, single submitter. Criteria: ACMG Guidelines, 2015. Collection method: clinical testing. Allele origin: germline.
Comment: This missense variant replaces asparagine with aspartic acid at codon 984 of the MSH6 protein. Computational prediction suggests that this variant may not impact protein structure and function. To our knowledge, functional studies have not been reported for this variant. This variant has not been reported in individuals affected with MSH6-related disorders in the literature. This variant has been identified in 38/1577920 chromosomes in the general population by the Genome Aggregation Database (gnomAD). The available evidence is insufficient to determine the role of this variant in disease conclusively. Therefore, this variant is classified as a Variant of Uncertain Significance.

Labcorp Genetics (formerly Invitae), Labcorp
Classification: Uncertain significance for Hereditary nonpolyposis colorectal neoplasms. Last evaluated: 2025-10-27. Review status: criteria provided, single submitter. Criteria: Invitae Variant Classification Sherloc (09022015). Collection method: clinical testing. Allele origin: germline.
Comment: This sequence change replaces asparagine, which is neutral and polar, with aspartic acid, which is acidic and polar, at codon 984 of the MSH6 protein (p.Asn984Asp). This variant is not present in population databases (gnomAD no frequency). This variant has not been reported in the literature in individuals affected with MSH6-related conditions. ClinVar contains an entry for this variant (Variation ID: 418917). Invitae Evidence Modeling of protein sequence and biophysical properties (such as structural, functional, and spatial information, amino acid conservation, physicochemical variation, residue mobility, and thermodynamic stability) indicates that this missense variant is not expected to disrupt MSH6 protein function with a negative predictive value of 95%. In summary, the available evidence is currently insufficient to determine the role of this variant in disease. Therefore, it has been classified as a Variant of Uncertain Significance.

Ambry Genetics
Classification: Uncertain significance for Hereditary cancer-predisposing syndrome. Last evaluated: 2025-08-23. Review status: criteria provided, single submitter. Criteria: Ambry Variant Classification Scheme 2023. Collection method: clinical testing. Allele origin: germline.
Comment: The p.N984D variant (also known as c.2950A>G), located in coding exon 4 of the MSH6 gene, results from an A to G substitution at nucleotide position 2950. The asparagine at codon 984 is replaced by aspartic acid, an amino acid with highly similar properties. This variant was reported in 2/60,466 breast cancer cases and in 0/53,461 controls (Dorling et al. N Engl J Med. 2021 02;384:428-439). This amino acid position is not well conserved in available vertebrate species. In addition, this alteration is predicted to be tolerated by in silico analysis. Since supporting evidence is limited at this time, the clinical significance of this alteration remains unclear.

Department of Pathology and Laboratory Medicine, Sinai Health System
Classification: Uncertain significance for Lynch syndrome. Last evaluated: 2024-04-10. Review status: criteria provided, single submitter. Criteria: ACMG Guidelines, 2015. Collection method: clinical testing. Allele origin: germline. Affected: yes.

GeneDx
Classification: Uncertain significance. Last evaluated: 2024-01-09. Review status: criteria provided, single submitter. Criteria: GeneDx Variant Classification Process June 2021. Collection method: clinical testing. Allele origin: germline. Affected: yes.
Comment: Not observed at significant frequency in large population cohorts (gnomAD); In silico analysis supports that this missense variant does not alter protein structure/function; Observed in individuals with breast cancer (PMID: 33471991); This variant is associated with the following publications: (PMID: 33471991)

Baylor Genetics
Classification: Uncertain significance for Endometrial carcinoma. Last evaluated: 2023-10-22. Review status: criteria provided, single submitter. Criteria: ACMG Guidelines, 2015. Collection method: clinical testing. Allele origin: unknown.

All of Us Research Program, National Institutes of Health
Classification: Uncertain significance for Lynch syndrome. Last evaluated: 2023-08-15. Review status: criteria provided, single submitter. Criteria: ACMG Guidelines, 2015. Collection method: clinical testing. Allele origin: germline. Inheritance: Autosomal dominant inheritance. Observed: 1 variant allele, 1 heterozygote.
Comment: This missense variant replaces asparagine with aspartic acid at codon 984 of the MSH6 protein. Computational prediction suggests that this variant may not impact protein structure and function (internally defined REVEL score threshold <= 0.5, PMID: 27666373). To our knowledge, functional studies have not been reported for this variant. In a large breast cancer case-control study, this variant was observed in 2/60466 cases and 0/53461 unaffected controls (PMID: 33471991). This variant has not been identified in the general population by the Genome Aggregation Database (gnomAD). The available evidence is insufficient to determine the role of this variant in disease conclusively. Therefore, this variant is classified as a Variant of Uncertain Significance.

This study involves interpretation of variants in research participants for the purpose of population health screening. Participant phenotype was not available at the time of variant classification. Additional details can be found in publication PMID: 35346344, PMCID: PMC8962531

Literature cited by the submitters: PubMed 33471991 (cited by 3 submitters).